The following is an entry in ClinVar:

ClinVar aggregate classification (germline): Uncertain significance. Review status: criteria provided, multiple submitters, no conflicts (2 of 4 stars). 3 submissions from 3 submitters: Uncertain significance (3). Last evaluated 2024-10-22.

Conditions:
Inborn genetic diseases. Identifiers: MedGen C0950123, MeSH D030342.
Primary ciliary dyskinesia. Also called: Ciliary dyskinesia. Identifiers: Orphanet 244, MedGen C0008780, MONDO:0016575, HP:0012265.

Allele frequency attached by ClinVar (database versions not stated): gnomAD exomes 0.00001 and 0.00002; ExAC 0.00002; TOPMed 0.00005; gnomAD 0.00007.
gnomAD v4.1: 29 of 1,613,414 alleles (0.0018%); highest among the groups gnomAD compares: South Asian, 0.0055%; 1 homozygote.

Submissions (3):

Labcorp Genetics (formerly Invitae), Labcorp
Classification: Uncertain significance. Last evaluated: 2024-10-22. Review status: criteria provided, single submitter. Criteria: Invitae Variant Classification Sherloc (09022015). Collection method: clinical testing. Allele origin: germline.
Comment: This sequence change replaces arginine, which is basic and polar, with tryptophan, which is neutral and slightly polar, at codon 989 of the DNAH9 protein (p.Arg989Trp). This variant is present in population databases (rs765666122, gnomAD 0.007%). This variant has not been reported in the literature in individuals affected with DNAH9-related conditions. ClinVar contains an entry for this variant (Variation ID: 977541). Invitae Evidence Modeling of protein sequence and biophysical properties (such as structural, functional, and spatial information, amino acid conservation, physicochemical variation, residue mobility, and thermodynamic stability) indicates that this missense variant is expected to disrupt DNAH9 protein function with a positive predictive value of 80%. In summary, the available evidence is currently insufficient to determine the role of this variant in disease. Therefore, it has been classified as a Variant of Uncertain Significance.

Ambry Genetics
Classification: Uncertain significance for Inborn genetic diseases. Last evaluated: 2024-06-25. Review status: criteria provided, single submitter. Criteria: Ambry Variant Classification Scheme 2023. Collection method: clinical testing. Allele origin: germline.

UNC Molecular Genetics  Laboratory, University of North Carolina at Chapel Hill
Classification: Uncertain significance for Primary ciliary dyskinesia. Last evaluated: 2019-10-11. Review status: criteria provided, single submitter. Criteria: ACMG Guidelines, 2015. Collection method: clinical testing. Allele origin: germline. Observed: 1 heterozygote.

NM_001372.4(DNAH9):c.2965C>T (p.Arg989Trp)

Genes: DNAH9 (dynein axonemal heavy chain 9; plus strand), LOC126862505 (BRD4-independent group 4 enhancer GRCh37_chr17:11572478-11573677; plus strand). Cytogenetic location: 17p12.
Variant type: single nucleotide variant.
Coding change: c.2965C>T on transcript NM_001372.4 (MANE Select); coding-DNA position 2965, C replaced by T.
Protein change: p.Arg989Trp; replaces arginine 989 with tryptophan.
Molecular consequence: missense variant.
Genome position (GRCh38, 1-based): chr17:11,669,406, C>T. VCF-style: chr17-11669406-C-T. GRCh37 (hg19) VCF-style: chr17-11572723-C-T.
Other names: short protein forms R989W.
Identifiers: ClinVar variation 977541 (VCV000977541.8), dbSNP rs765666122, ClinGen allele CA8395333.